The following is an entry in ClinVar:

NM_000108.5(DLD):c.1373C>T (p.Pro458Leu)

Genes: DLD (dihydrolipoamide dehydrogenase; plus strand), LOC129999127 (ATAC-STARR-seq lymphoblastoid active region 26499; plus strand). Cytogenetic location: 7q31.1.
Variant type: single nucleotide variant.
Coding change: c.1373C>T on transcript NM_000108.5 (MANE Select); coding-DNA position 1373, C replaced by T.
Protein change: p.Pro458Leu; replaces proline 458 with leucine.
Molecular consequence: missense variant.
Genome position (GRCh38, 1-based): chr7:107,918,060, C>T. VCF-style: chr7-107918060-C-T. GRCh37 (hg19) VCF-style: chr7-107558505-C-T.
Other names: c.1076C>T, p.Pro359Leu (NM_001289750.1); c.1304C>T, p.Pro435Leu (NM_001289751.1); c.1229C>T, p.Pro410Leu (NM_001289752.1); short protein forms P435L, P458L, P359L, P410L.
Identifiers: ClinVar variation 2141645 (VCV002141645.1), dbSNP rs552150487, ClinGen allele CA4434687.

ClinVar aggregate classification (germline): Uncertain significance (1 of 4 stars; one submission).

Conditions:
Pyruvate dehydrogenase E3 deficiency (DLDD). Also called: Dihydrolipoamide Dehydrogenase (E3) Deficiency; Dihydrolipoamide Dehydrogenase E3 Deficiency; Dihydrolipoamide Dehydrogenase Deficiency; MAPLE SYRUP URINE DISEASE, TYPE III; Lipoamide dehydrogenase deficiency, lactic acidosis due to; Lipoamide dehydrogenase deficiency. Identifiers: Orphanet 2394, Orphanet 765, MedGen C5574660, MONDO:0009529, OMIM 246900.

Allele frequency attached by ClinVar (database versions not stated): gnomAD exomes below 0.00001; gnomAD 0.00001; ExAC 0.00002; 1000 Genomes Project 0.00020; 1000 Genomes Project 30x 0.00031.
gnomAD v4.1: 7 of 1,613,886 alleles (0.00043%); highest among the groups gnomAD compares: South Asian, 0.0066%; no homozygotes.

Submission:

Labcorp Genetics (formerly Invitae), Labcorp
Classification: Uncertain significance for Pyruvate dehydrogenase E3 deficiency. Last evaluated: 2021-05-26. Review status: criteria provided, single submitter. Criteria: Invitae Variant Classification Sherloc (09022015). Collection method: clinical testing. Allele origin: germline.
Comment: This sequence change replaces proline with leucine at codon 458 of the DLD protein (p.Pro458Leu). The proline residue is moderately conserved and there is a moderate physicochemical difference between proline and leucine. This variant is present in population databases (rs552150487, ExAC 0.02%). This variant has not been reported in the literature in individuals with DLD-related disease. Algorithms developed to predict the effect of missense changes on protein structure and function are either unavailable or do not agree on the potential impact of this missense change (SIFT: "Deleterious"; PolyPhen-2: "Probably Damaging"; Align-GVGD: "Class C15"). In summary, the available evidence is currently insufficient to determine the role of this variant in disease. Therefore, it has been classified as a Variant of Uncertain Significance.